The following is an entry in ClinVar:

NM_001134407.3(GRIN2A):c.3127A>T (p.Thr1043Ser)

Gene: GRIN2A (glutamate ionotropic receptor NMDA type subunit 2A; minus strand). Cytogenetic location: 16p13.2.
Variant type: single nucleotide variant.
Coding change: c.3127A>T on transcript NM_001134407.3 (MANE Select); coding-DNA position 3127, A replaced by T.
Protein change: p.Thr1043Ser; replaces threonine 1043 with serine.
Molecular consequence: missense variant.
Genome position (GRCh38, 1-based): chr16:9,764,417, T>A on the plus strand (A>T on the coding strand, the complement: GRIN2A is on the minus strand). VCF-style: chr16-9764417-T-A. GRCh37 (hg19) VCF-style: chr16-9858274-T-A.
Other names: c.3127A>T, p.Thr1043Ser (NM_000833.5, NM_001134408.2); short protein forms T1043S.
Identifiers: ClinVar variation 4704162 (VCV004704162.1).

ClinVar aggregate classification (germline): Uncertain significance (1 of 4 stars; one submission).

Conditions:
Landau-Kleffner syndrome (FESD). Also called: EPILEPSY, FOCAL, WITH SPEECH DISORDER AND WITH OR WITHOUT MENTAL RETARDATION; APHASIA, ACQUIRED, WITH EPILEPSY. Identifiers: Orphanet 1945, Orphanet 725, Orphanet 98818, MedGen C0282512, MONDO:0009509, OMIM 245570.

Submission:

Labcorp Genetics (formerly Invitae), Labcorp
Classification: Uncertain significance for Landau-Kleffner syndrome. Last evaluated: 2025-11-15. Review status: criteria provided, single submitter. Criteria: Invitae Variant Classification Sherloc (09022015). Collection method: clinical testing. Allele origin: germline.
Comment: This sequence change replaces threonine, which is neutral and polar, with serine, which is neutral and polar, at codon 1043 of the GRIN2A protein (p.Thr1043Ser). This variant is not present in population databases (gnomAD no frequency). This variant has not been reported in the literature in individuals affected with GRIN2A-related conditions. Invitae Evidence Modeling of protein sequence and biophysical properties (such as structural, functional, and spatial information, amino acid conservation, physicochemical variation, residue mobility, and thermodynamic stability) indicates that this missense variant is not expected to disrupt GRIN2A protein function with a negative predictive value of 95%. In summary, the available evidence is currently insufficient to determine the role of this variant in disease. Therefore, it has been classified as a Variant of Uncertain Significance.